The following is an entry in ClinVar:

NM_004960.4(FUS):c.652_678del (p.Arg218_Gly226del)

Gene: FUS (FUS RNA binding protein; plus strand). Cytogenetic location: 16p11.2.
Variant type: Deletion.
Coding change: c.652_678del on transcript NM_004960.4 (MANE Select); coding-DNA positions 652 to 678, 27 bases deleted (AGGGGTGGCAGTGGTGGCGGCGGCGGC).
Protein change: p.Arg218_Gly226del.
Molecular consequence: inframe deletion. On other transcripts: non-coding transcript variant (1).
Genome position (GRCh38, 1-based): chr16:31,185,067-31,185,093, AGGGGTGGCAGTGGTGGCGGCGGCGGC deleted; deleting any 27 consecutive bases within chr16:31,185,062-31,185,093 gives the same sequence; the c. name uses the placement nearest the transcript's 3' end. VCF-style (leftmost placement, unchanged base first): chr16-31185061-CGCGGCAGGGGTGGCAGTGGTGGCGGCG-C. GRCh37 (hg19) VCF-style: chr16-31196382-CGCGGCAGGGGTGGCAGTGGTGGCGGCG-C.
Other names: c.649_675del, p.Arg217_Gly225del (NM_001170634.1); c.640_666del, p.Arg214_Gly222del (NM_001170937.1).
Identifiers: ClinVar variation 1386031 (VCV001386031.8), dbSNP rs756437417, ClinGen allele CA8023725.

ClinVar aggregate classification (germline): Uncertain significance (1 of 4 stars; one submission).

Conditions:
Tremor, hereditary essential, 4 (ETM4). Identifiers: MedGen C3539195, MONDO:0013888, OMIM 614782.
Amyotrophic lateral sclerosis type 6. Also called: FUS-Related Amyotrophic Laterial Sclerosis; Amyotrophic lateral sclerosis 6, with or without frontotemporal dementia; AMYOTROPHIC LATERAL SCLEROSIS 6 WITHOUT FRONTOTEMPORAL DEMENTIA. Identifiers: Orphanet 275872, Orphanet 803, MedGen C2931786, MONDO:0011951, OMIM 608030.

Submission:

Labcorp Genetics (formerly Invitae), Labcorp
Classification: Uncertain significance for Tremor, hereditary essential, 4; Amyotrophic lateral sclerosis type 6. Last evaluated: 2024-12-21. Review status: criteria provided, single submitter. Criteria: Invitae Variant Classification Sherloc (09022015). Collection method: clinical testing. Allele origin: germline.
Comment: This variant, c.652_678del, results in the deletion of 9 amino acid(s) of the FUS protein (p.Arg218_Gly226del), but otherwise preserves the integrity of the reading frame. This variant is present in population databases (rs756437417, gnomAD 0.001%). This variant has not been reported in the literature in individuals affected with FUS-related conditions. ClinVar contains an entry for this variant (Variation ID: 1386031). Experimental studies and prediction algorithms are not available or were not evaluated, and the functional significance of this variant is currently unknown. In summary, the available evidence is currently insufficient to determine the role of this variant in disease. Therefore, it has been classified as a Variant of Uncertain Significance.